The following is an entry in ClinVar:

ClinVar aggregate classification (germline): Likely benign. Review status: criteria provided, multiple submitters, no conflicts (2 of 4 stars). 4 submissions from 4 submitters: Likely benign (4). Last evaluated 2026-01-26.

Conditions:
Methylcobalamin deficiency type cblG (HMAG). Also called: Functional methionine synthase deficiency type cblG; HOMOCYSTINURIA-MEGALOBLASTIC ANEMIA, cblG COMPLEMENTATION TYPE; HOMOCYSTINURIA-MEGALOBLASTIC ANEMIA, cblG TYPE; HOMOCYSTINURIA-MEGALOBLASTIC ANEMIA DUE TO DEFECT IN COBALAMIN METABOLISM, cblG COMPLEMENTATION TYPE. Identifiers: Orphanet 2170, Orphanet 622, MedGen C1855128, MONDO:0009609, OMIM 250940.

Allele frequency attached by ClinVar (database versions not stated): ESP Exome Variant Server 0.00008; gnomAD exomes 0.00011; gnomAD 0.00017 and 0.00019; 1000 Genomes Project 30x 0.00031; TOPMed 0.00033; 1000 Genomes Project 0.00040.
gnomAD v4.1: 204 of 1,608,934 alleles (0.013%); highest among the groups gnomAD compares: Middle Eastern, 0.17%; no homozygotes.

Submissions (4):

Labcorp Genetics (formerly Invitae), Labcorp
Classification: Likely benign for Methylcobalamin deficiency type cblG. Last evaluated: 2026-01-26. Review status: criteria provided, single submitter. Criteria: Invitae Variant Classification Sherloc (09022015). Collection method: clinical testing. Allele origin: germline.

CeGaT Center for Human Genetics Tuebingen
Classification: Likely benign. Last evaluated: 2025-02-01. Review status: criteria provided, single submitter. Criteria: CeGaT Center For Human Genetics Tuebingen Variant Classification Criteria Version 2. Collection method: clinical testing. Allele origin: germline. Affected: yes. Observed: 1 variant allele.
Comment: MTR: BP4

Blueprint Genetics
Classification: Likely benign. Last evaluated: 2024-11-25. Review status: criteria provided, single submitter. Criteria: ACMG Guidelines, 2015. Collection method: clinical testing. Allele origin: germline.

GeneDx
Classification: Likely benign. Last evaluated: 2016-12-21. Review status: criteria provided, single submitter. Criteria: GeneDx Variant Classification (06012015). Collection method: clinical testing. Allele origin: germline. Affected: yes.
Comment: This variant is considered likely benign or benign based on one or more of the following criteria: it is a conservative change, it occurs at a poorly conserved position in the protein, it is predicted to be benign by multiple in silico algorithms, and/or has population frequency not consistent with disease.

NM_000254.3(MTR):c.1075+7C>T

Gene: MTR (5-methyltetrahydrofolate-homocysteine methyltransferase; plus strand). Cytogenetic location: 1q43.
Variant type: single nucleotide variant.
Coding change: c.1075+7C>T on transcript NM_000254.3 (MANE Select); 7 bases into the intron after coding-DNA position 1075, C replaced by T.
Molecular consequence: intron variant.
Genome position (GRCh38, 1-based): chr1:236,829,275, C>T. VCF-style: chr1-236829275-C-T. GRCh37 (hg19) VCF-style: chr1-236992575-C-T.
Other names: c.1075+7C>T (NM_001291939.1); c.-34+7C>T (NM_001291940.2).
Identifiers: ClinVar variation 380596 (VCV000380596.24), dbSNP rs202157685, ClinGen allele CA1473979.
Genomic context (GRCh38, chr1:236,829,275, plus strand): 5'-GTAAGCCTAGAGTTCCACCTGCCACTGCTTTTGAAGGACATATGTTACTGTCTGGTGAGT[C>T]ATAAAGACCTGGTATTCCTGATTGCAGAAACCATTTGTGGAGTGTGAGTATTCTAAGTGG-3'